The following is an entry in ClinVar:

ClinVar aggregate classification (germline): Conflicting classifications of pathogenicity. Review status: criteria provided, conflicting classifications (1 of 4 stars). 2 submissions from 2 submitters: Uncertain significance (1); Likely benign (1). Last evaluated 2025-05-19.

Allele frequency attached by ClinVar (database versions not stated): TOPMed 0.00003; ExAC 0.00002; gnomAD 0.00003; gnomAD exomes 0.00008.
gnomAD v4.1: 124 of 1,613,446 alleles (0.0077%); highest among the groups gnomAD compares: Non-Finnish European, 0.01%; no homozygotes.

Submissions (2):

Ambry Genetics
Classification: Uncertain significance. Last evaluated: 2025-05-19. Review status: criteria provided, single submitter. Criteria: Ambry Variant Classification Scheme 2023. Collection method: clinical testing. Allele origin: germline.

Mayo Clinic Laboratories, Mayo Clinic
Classification: Likely benign. Last evaluated: 2025-05-19. Review status: criteria provided, single submitter. Criteria: ACMG Guidelines, 2015. Collection method: clinical testing. Allele origin: germline. Observed: 1 variant allele.
Comment: BS2, BP4_moderate

NM_032564.5(DGAT2):c.353A>C (p.Lys118Thr)

Gene: DGAT2 (diacylglycerol O-acyltransferase 2; plus strand). Cytogenetic location: 11q13.5.
Variant type: single nucleotide variant.
Coding change: c.353A>C on transcript NM_032564.5 (MANE Select); coding-DNA position 353, A replaced by C.
Protein change: p.Lys118Thr; replaces lysine 118 with threonine.
Molecular consequence: missense variant.
Genome position (GRCh38, 1-based): chr11:75,790,290, A>C. VCF-style: chr11-75790290-A-C. GRCh37 (hg19) VCF-style: chr11-75501335-A-C.
Other names: p.Lys118Thr; c.224A>C, p.Lys75Thr (NM_001253891.2); short protein forms K75T, K118T.
Identifiers: ClinVar variation 2395078 (VCV002395078.4), dbSNP rs774044430, ClinGen allele CA6191962.